The following is an entry in ClinVar:

NM_000784.4(CYP27A1):c.55G>A (p.Gly19Ser)

Gene: CYP27A1 (cytochrome P450 family 27 subfamily A member 1; plus strand). Cytogenetic location: 2q35.
Variant type: single nucleotide variant.
Coding change: c.55G>A on transcript NM_000784.4 (MANE Select); coding-DNA position 55, G replaced by A.
Protein change: p.Gly19Ser; replaces glycine 19 with serine.
Molecular consequence: missense variant.
Genome position (GRCh38, 1-based): chr2:218,782,237, G>A. VCF-style: chr2-218782237-G-A. GRCh37 (hg19) VCF-style: chr2-219646960-G-A.
Other names: p.Gly19Ser; short protein forms G19S.
Identifiers: ClinVar variation 1748561 (VCV001748561.10), dbSNP rs758959471, ClinGen allele CA2112504.
Genomic context (GRCh38, chr2:218,782,237, plus strand): 5'-CAACCCATGGCTGCGCTGGGCTGCGCGAGGCTGAGGTGGGCGCTGCGAGGGGCCGGCCGT[G>A]GCCTCTGCCCCCACGGGGCCAGAGCCAAGGCCGCGATCCCTGCCGCCCTCCCCTCGGACA-3'
Protein context (NP_000775.1, residues 9-29): LRWALRGAGR[Gly19Ser]LCPHGARAKA

ClinVar aggregate classification (germline): Conflicting classifications of pathogenicity. Review status: criteria provided, conflicting classifications (1 of 4 stars). 4 submissions from 4 submitters: Uncertain significance (3); Likely benign (1). Last evaluated 2026-06-03.

Conditions:
Cholestanol storage disease (CTX). Also called: CEREBRAL CHOLESTERINOSIS; CTX: Cerebrotendinous xanthomatosis; Cerebrotendinous Xanthomatosis. Identifiers: Orphanet 909, MedGen C0238052, MONDO:0008948, OMIM 213700.
CYP27A1-related disorder. Also called: CYP27A1-related condition.
Cardiovascular phenotype. Identifiers: MedGen CN230736.

Allele frequency attached by ClinVar (database versions not stated): gnomAD 0.00001; gnomAD exomes 0.00002; TOPMed 0.00003; ExAC 0.00016.
gnomAD v4.1: 39 of 1,546,516 alleles (0.0025%); highest among the groups gnomAD compares: Non-Finnish European, 0.00026%; no homozygotes.

Submissions (4):

PreventionGenetics, part of Exact Sciences
Classification: Uncertain significance for CYP27A1-related condition. Last evaluated: 2026-06-03. Review status: criteria provided, single submitter. Criteria: ACMG Guidelines, 2015. Collection method: clinical testing. Allele origin: germline.
Comment: The CYP27A1 c.55G>A variant is predicted to result in the amino acid substitution p.Gly19Ser. To our knowledge, this variant has not been reported in the literature. This variant is reported in 0.13% of alleles in individuals of Ashkenazi Jewish descent in gnomAD, which may be too frequent to be a primary cause of disease. Although we suspect that this variant may be benign, at this time, the clinical significance of this variant is uncertain due to the absence of conclusive functional and genetic evidence.

Ambry Genetics
Classification: Uncertain significance for Cardiovascular phenotype. Last evaluated: 2025-07-24. Review status: criteria provided, single submitter. Criteria: Ambry Variant Classification Scheme 2023. Collection method: clinical testing. Allele origin: germline.
Comment: The p.G19S variant (also known as c.55G>A), located in coding exon 1 of the CYP27A1 gene, results from a G to A substitution at nucleotide position 55. The glycine at codon 19 is replaced by serine, an amino acid with similar properties. This amino acid position is highly conserved in available vertebrate species. In addition, this alteration is predicted to be tolerated by in silico analysis. Based on the available evidence, the clinical significance of this variant remains unclear.

Labcorp Genetics (formerly Invitae), Labcorp
Classification: Likely benign for Cholestanol storage disease. Last evaluated: 2025-07-02. Review status: criteria provided, single submitter. Criteria: Invitae Variant Classification Sherloc (09022015). Collection method: clinical testing. Allele origin: germline.

Mayo Clinic Laboratories, Mayo Clinic
Classification: Uncertain significance. Last evaluated: 2024-05-09. Review status: criteria provided, single submitter. Criteria: ACMG Guidelines, 2015. Collection method: clinical testing. Allele origin: germline. Observed: 2 variant alleles.
Comment: PM2_moderate